The following is an entry in ClinVar:

ClinVar aggregate classification (germline): Uncertain significance. Review status: criteria provided, multiple submitters, no conflicts (2 of 4 stars). 3 submissions from 3 submitters: Uncertain significance (2). 1 of the submissions does not count toward it. Last evaluated 2022-05-02.

Conditions:
Biotinidase deficiency. Also called: BTD deficiency; Late-onset biotin-responsive multiple carboxylase deficiency; Biotin deficiency. Identifiers: Orphanet 79241, MedGen C0220754, MONDO:0009665, OMIM 253260.

Allele frequency attached by ClinVar (database versions not stated): gnomAD 0.00001; TOPMed 0.00003; ExAC 0.00004; gnomAD exomes 0.00004.
gnomAD v4.1: 11 of 1,614,090 alleles (0.00068%); highest among the groups gnomAD compares: East Asian, 0.011%; no homozygotes.

Submissions (3):

Fulgent Genetics
Classification: Uncertain significance for Biotinidase deficiency. Last evaluated: 2022-05-02. Review status: criteria provided, single submitter. Criteria: ACMG Guidelines, 2015. Collection method: clinical testing. Allele origin: unknown.

Labcorp Genetics (formerly Invitae), Labcorp
Classification: Uncertain significance for Biotinidase deficiency. Last evaluated: 2021-08-27. Review status: criteria provided, single submitter. Criteria: Invitae Variant Classification Sherloc (09022015). Collection method: clinical testing. Allele origin: germline.
Comment: This sequence change replaces asparagine with serine at codon 202 of the BTD protein (p.Asn202Ser). The asparagine residue is weakly conserved and there is a small physicochemical difference between asparagine and serine. This variant is present in population databases (rs397514376, ExAC 0.03%). This variant has not been reported in the literature in individuals affected with BTD-related conditions. Algorithms developed to predict the effect of missense changes on protein structure and function output the following: SIFT: "Tolerated"; PolyPhen-2: "Benign"; Align-GVGD: "Class C0". The serine amino acid residue is found in multiple mammalian species, which suggests that this missense change does not adversely affect protein function. Algorithms developed to predict the effect of sequence changes on RNA splicing suggest that this variant may create or strengthen a splice site. In summary, the available evidence is currently insufficient to determine the role of this variant in disease. Therefore, it has been classified as a Variant of Uncertain Significance.

Natera, Inc.
Classification: Uncertain significance for Biotinidase deficiency. Last evaluated: 2019-10-28. Review status: no assertion criteria provided. Collection method: clinical testing. Allele origin: germline. Not counted in ClinVar's aggregate classification.

NM_001370658.1(BTD):c.545A>G (p.Asn182Ser)

Gene: BTD (biotinidase; plus strand). Cytogenetic location: 3p25.1.
Variant type: single nucleotide variant.
Coding change: c.545A>G on transcript NM_001370658.1 (MANE Select); coding-DNA position 545, A replaced by G.
Protein change: p.Asn182Ser; replaces asparagine 182 with serine.
Molecular consequence: missense variant. On other transcripts: intron variant (1).
Genome position (GRCh38, 1-based): chr3:15,644,461, A>G. VCF-style: chr3-15644461-A-G. GRCh37 (hg19) VCF-style: chr3-15685968-A-G.
Other names: c.605A>G, p.Asn202Ser (NM_000060.4); c.545A>G, p.Asn182Ser (NM_001281723.4, NM_001281724.3, NM_001281725.3 and 18 more transcripts); c.399+2404A>G (NM_001370753.1); short protein forms N182S.
Identifiers: ClinVar variation 458808 (VCV000458808.8), dbSNP rs397514376, ClinGen allele CA2277347.